The following is an entry in ClinVar:

ClinVar aggregate classification (germline): Uncertain significance (1 of 4 stars; one submission).

Submission:

GeneDx
Classification: Uncertain significance. Last evaluated: 2023-11-19. Review status: criteria provided, single submitter. Criteria: GeneDx Variant Classification Process June 2021. Collection method: clinical testing. Allele origin: germline. Affected: yes.
Comment: Not observed at significant frequency in large population cohorts (gnomAD); Frameshift variant predicted to result in protein truncation or nonsense mediated decay in a gene for which loss-of-function is not an established mechanism of disease; Has not been previously published as pathogenic or benign to our knowledge; Variants in candidate genes are classified as variants of uncertain significance in accordance with ACMG guidelines (PMID: 25741868)

NM_001146156.2(GSK3B):c.974dup (p.Thr326fs)

Gene: GSK3B (glycogen synthase kinase 3 beta; minus strand). Cytogenetic location: 3q13.33.
Variant type: Duplication.
Coding change: c.974dup on transcript NM_001146156.2 (MANE Select); coding-DNA position 974, one base duplicated (C; older notation c.974dupC).
Protein change: p.Thr326fs; shifts the reading frame from threonine 326.
Molecular consequence: frameshift variant.
Genome position (GRCh38, 1-based): chr3:119,863,541, G duplicated on the plus strand (C on the coding strand, the reverse complement: GSK3B is on the minus strand); the first of 2 consecutive G bases (chr3:119,863,541-119,863,542); duplicating either gives the same sequence. VCF-style (leftmost placement, unchanged base first): chr3-119863540-T-TG. GRCh37 (hg19) VCF-style: chr3-119582387-T-TG.
Other names: c.974dup, p.Thr326fs (NM_001354596.2); c.1013dup, p.Thr339fs (NM_002093.4); short protein forms T326fs, T339fs.
Identifiers: ClinVar variation 3390651 (VCV003390651.1).